The following is an entry in ClinVar:

ClinVar aggregate classification (germline): Uncertain significance (1 of 4 stars; one submission).

Submission:

CeGaT Center for Human Genetics Tuebingen
Classification: Uncertain significance. Last evaluated: 2023-06-01. Review status: criteria provided, single submitter. Criteria: CeGaT Center For Human Genetics Tuebingen Variant Classification Criteria Version 2. Collection method: clinical testing. Allele origin: germline. Affected: yes. Observed: 2 variant alleles.
Comment: SCN8A: PM2, PP2

NM_001330260.2(SCN8A):c.439G>A (p.Val147Ile)

Gene: SCN8A (sodium voltage-gated channel alpha subunit 8; plus strand). Cytogenetic location: 12q13.13.
Variant type: single nucleotide variant.
Coding change: c.439G>A on transcript NM_001330260.2 (MANE Select); coding-DNA position 439, G replaced by A.
Protein change: p.Val147Ile; replaces valine 147 with isoleucine.
Molecular consequence: missense variant.
Genome position (GRCh38, 1-based): chr12:51,686,411, G>A. VCF-style: chr12-51686411-G-A. GRCh37 (hg19) VCF-style: chr12-52080195-G-A.
Other names: c.439G>A, p.Val147Ile (NM_001177984.3, NM_001369788.1, NM_014191.4); short protein forms V147I.
Identifiers: ClinVar variation 2570829 (VCV002570829.27), dbSNP rs2540154855, ClinGen allele CA385221719.
Genomic context (GRCh38, chr12:51,686,411, plus strand): 5'-CCTTGACTCTTCTCTACAGTATTTAGCATGATCATTATGTGCACTATTTTGACCAACTGT[G>A]TATTCATGACTTTTAGTAACCCTCCTGACTGGTCGAAGAATGTGGAGTAAGTAACTCATT-3'
Protein context (NP_001317189.1, residues 137-157): IIMCTILTNC[Val147Ile]FMTFSNPPDW